The following is an entry in ClinVar:

ClinVar aggregate classification (germline): Uncertain significance (1 of 4 stars; one submission).

Conditions:
Catecholaminergic polymorphic ventricular tachycardia (CVPT). Also called: Catecholamine-induced polymorphic ventricular tachycardia. Identifiers: Orphanet 3286, MedGen C5574922, MONDO:0017990.

gnomAD v4.1: 1 of 1,613,750 alleles (0.000062%); no homozygotes.

Submission:

All of Us Research Program, National Institutes of Health
Classification: Uncertain significance for Catecholaminergic polymorphic ventricular tachycardia. Last evaluated: 2024-03-05. Review status: criteria provided, single submitter. Criteria: ACMG Guidelines, 2015. Collection method: clinical testing. Allele origin: germline. Inheritance: Autosomal dominant inheritance. Observed: 1 variant allele, 1 heterozygote.
Comment: This study involves interpretation of variants in research participants for the purpose of population health screening. Participant phenotype was not available at the time of variant classification. Additional details can be found in publication PMID: 35346344, PMCID: PMC8962531

NM_001035.3(RYR2):c.13664T>C (p.Ile4555Thr)

Gene: RYR2 (ryanodine receptor 2; plus strand). Cytogenetic location: 1q43.
Variant type: single nucleotide variant.
Coding change: c.13664T>C on transcript NM_001035.3 (MANE Select); coding-DNA position 13664, T replaced by C.
Protein change: p.Ile4555Thr; replaces isoleucine 4555 with threonine.
Molecular consequence: missense variant.
Genome position (GRCh38, 1-based): chr1:237,792,205, T>C. VCF-style: chr1-237792205-T-C. GRCh37 (hg19) VCF-style: chr1-237955505-T-C.
Other names: short protein forms I4555T.
Identifiers: ClinVar variation 3385869 (VCV003385869.1).
Genomic context (GRCh38, chr1:237,792,205, plus strand): 5'-CGAGAAGTTCAAGTGAAAATGCCAAAGTGACAAGCCTGGACAGCAGCTCCCATAGAATCA[T>C]CGCAGTTCACTATGTACTAGAGGAGAGCAGCGGCTACATGGAGCCCACGTTGCGTATCTT-3'
Protein context (NP_001026.2, residues 4545-4565): TSLDSSSHRI[Ile4555Thr]AVHYVLEESS